The following is an entry in ClinVar:

ClinVar aggregate classification (germline): Uncertain significance (0 of 4 stars; one submission).

Conditions:
DYNC1H1-related disorder. Also called: DYNC1H1-related condition; DYNC1H1-related disorders. Identifiers: MedGen CN381529.

Submission:

PreventionGenetics, part of Exact Sciences
Classification: Uncertain significance for DYNC1H1-related condition. Last evaluated: 2024-06-27. Review status: no assertion criteria provided. Collection method: clinical testing. Allele origin: germline.
Comment: The DYNC1H1 c.7573C>T variant is predicted to result in the amino acid substitution p.Pro2525Ser. To our knowledge, this variant has not been reported in the literature or in a large population database, indicating this variant is rare. At this time, the clinical significance of this variant is uncertain due to the absence of conclusive functional and genetic evidence.

NM_001376.5(DYNC1H1):c.7573C>T (p.Pro2525Ser)

Gene: DYNC1H1 (dynein cytoplasmic 1 heavy chain 1; plus strand). Cytogenetic location: 14q32.31.
Variant type: single nucleotide variant.
Coding change: c.7573C>T on transcript NM_001376.5 (MANE Select); coding-DNA position 7573, C replaced by T.
Protein change: p.Pro2525Ser; replaces proline 2525 with serine.
Molecular consequence: missense variant.
Genome position (GRCh38, 1-based): chr14:102,016,448, C>T. VCF-style: chr14-102016448-C-T. GRCh37 (hg19) VCF-style: chr14-102482785-C-T.
Other names: short protein forms P2525S.
Identifiers: ClinVar variation 3346306 (VCV003346306.1).